The following is an entry in ClinVar:

NM_000098.3(CPT2):c.1799G>A (p.Gly600Glu)

Gene: CPT2 (carnitine palmitoyltransferase 2; plus strand). Cytogenetic location: 1p32.3.
Variant type: single nucleotide variant.
Coding change: c.1799G>A on transcript NM_000098.3 (MANE Select); coding-DNA position 1799, G replaced by A.
Protein change: p.Gly600Glu; replaces glycine 600 with glutamic acid.
Molecular consequence: missense variant.
Genome position (GRCh38, 1-based): chr1:53,213,417, G>A. VCF-style: chr1-53213417-G-A. GRCh37 (hg19) VCF-style: chr1-53679089-G-A.
Other names: c.1730G>A, p.Gly577Glu (NM_001330589.2); short protein forms G577E, G600E.
Identifiers: ClinVar variation 2078269 (VCV002078269.4), dbSNP rs2525596435, ClinGen allele CA340397678.
Genomic context (GRCh38, chr1:53,213,417, plus strand): 5'-GGCAGATAAACCACAATGTCCTGTCCACGAGCACACTGAGCAGCCCAGCAGTGAACCTTG[G>A]GGGCTTTGCCCCTGTGGTCTCTGATGGCTTTGGTGTTGGGTATGCTGTTCATGACAACTG-3'
Protein context (NP_000089.1, residues 590-610): STLSSPAVNL[Gly600Glu]GFAPVVSDGF

ClinVar aggregate classification (germline): Likely pathogenic (1 of 4 stars; one submission).

Conditions:
Carnitine palmitoyltransferase II deficiency. Also called: Carnitine Palmitoyltransferase 2 Deficiency. Identifiers: Orphanet 157, MedGen C0342790, MONDO:0015515.

Submission:

Labcorp Genetics (formerly Invitae), Labcorp
Classification: Likely pathogenic for Carnitine palmitoyltransferase II deficiency. Last evaluated: 2022-05-27. Review status: criteria provided, single submitter. Criteria: Invitae Variant Classification Sherloc (09022015). Collection method: clinical testing. Allele origin: germline.
Comment: This sequence change replaces glycine, which is neutral and non-polar, with glutamic acid, which is acidic and polar, at codon 600 of the CPT2 protein (p.Gly600Glu). In summary, the currently available evidence indicates that the variant is pathogenic, but additional data are needed to prove that conclusively. Therefore, this variant has been classified as Likely Pathogenic. This variant disrupts the p.Gly600 amino acid residue in CPT2. Other variant(s) that disrupt this residue have been determined to be pathogenic (PMID: 12673791, 14605500). This suggests that this residue is clinically significant, and that variants that disrupt this residue are likely to be disease-causing. Advanced modeling of protein sequence and biophysical properties (such as structural, functional, and spatial information, amino acid conservation, physicochemical variation, residue mobility, and thermodynamic stability) performed at Invitae indicates that this missense variant is expected to disrupt CPT2 protein function. This variant has not been reported in the literature in individuals affected with CPT2-related conditions. This variant is not present in population databases (gnomAD no frequency).

Literature cited by the submitters: PubMed 12673791; PubMed 14605500.